The following is an entry in ClinVar:

NM_019888.3(MC3R):c.301G>A (p.Val101Ile)

Gene: MC3R (melanocortin 3 receptor; plus strand). Cytogenetic location: 20q13.2.
Variant type: single nucleotide variant.
Coding change: c.301G>A on transcript NM_019888.3 (MANE Select); coding-DNA position 301, G replaced by A.
Protein change: p.Val101Ile; replaces valine 101 with isoleucine.
Molecular consequence: missense variant.
Genome position (GRCh38, 1-based): chr20:56,249,144, G>A. VCF-style: chr20-56249144-G-A. GRCh37 (hg19) VCF-style: chr20-54824200-G-A.
Other names: short protein forms V101I.
Identifiers: ClinVar variation 4983758 (VCV004983758.1).

ClinVar aggregate classification (germline): Uncertain significance (1 of 4 stars; one submission).

Conditions:
MC3R-related disorder. Also called: MC3R-related condition.

Submission:

PreventionGenetics, part of Exact Sciences
Classification: Uncertain significance for MC3R-related condition. Last evaluated: 2024-11-02. Review status: criteria provided, single submitter. Criteria: ACMG Guidelines, 2015. Collection method: clinical testing. Allele origin: germline.
Comment: The MC3R c.301G>A variant is predicted to result in the amino acid substitution p.Val101Ile. To our knowledge, this variant has not been reported in the literature. This variant is reported in 0.0018% of alleles in individuals of European (Non-Finnish) descent in gnomAD. At this time, the clinical significance of this variant is uncertain due to the absence of conclusive functional and genetic evidence.